The following is an entry in ClinVar:

NM_000651.6(CR1):c.6373G>T (p.Val2125Leu)

Gene: CR1 (complement C3b/C4b receptor 1 (Knops blood group); plus strand). Cytogenetic location: 1q32.2.
Variant type: single nucleotide variant.
Coding change: c.6373G>T on transcript NM_000651.6 (MANE Select); coding-DNA position 6373, G replaced by T.
Protein change: p.Val2125Leu; replaces valine 2125 with leucine.
Molecular consequence: missense variant.
Genome position (GRCh38, 1-based): chr1:207,611,754, G>T. VCF-style: chr1-207611754-G-T. GRCh37 (hg19) VCF-style: chr1-207785099-G-T.
Other names: short protein forms V2125L.
Identifiers: ClinVar variation 993828 (VCV000993828.31), dbSNP rs202148801, ClinGen allele CA1370428.

ClinVar aggregate classification (germline): Conflicting classifications of pathogenicity. Review status: criteria provided, conflicting classifications (1 of 4 stars). 2 submissions from 2 submitters: Uncertain significance (1); Likely benign (1). Last evaluated 2024-09-01.

Allele frequency attached by ClinVar (database versions not stated): 1000 Genomes Project 30x 0.00031; 1000 Genomes Project 0.00040; TOPMed 0.00166; ESP Exome Variant Server 0.00229.
gnomAD v4.1: 4,159 of 1,613,976 alleles (0.26%); highest among the groups gnomAD compares: Non-Finnish European, 0.32%; 6 homozygotes.

Submissions (2):

CeGaT Center for Human Genetics Tuebingen
Classification: Likely benign. Last evaluated: 2024-09-01. Review status: criteria provided, single submitter. Criteria: CeGaT Center For Human Genetics Tuebingen Variant Classification Criteria Version 2. Collection method: clinical testing. Allele origin: germline. Affected: yes. Observed: 2 variant alleles.
Comment: CR1: BP4

ARUP Laboratories, Molecular Genetics and Genomics, ARUP Laboratories
Classification: Uncertain significance. Last evaluated: 2023-11-03. Review status: criteria provided, single submitter. Criteria: ARUP Molecular Germline Variant Investigation Process 2024. Collection method: clinical testing. Allele origin: germline.